The following is an entry in ClinVar:

NM_018718.3(CEP41):c.34-2A>G

Gene: CEP41 (centrosomal protein 41; minus strand). Cytogenetic location: 7q32.2.
Variant type: single nucleotide variant.
Coding change: c.34-2A>G on transcript NM_018718.3 (MANE Select); the canonical splice acceptor site of the intron before coding-DNA position 34, A replaced by G.
Molecular consequence: splice acceptor variant.
Genome position (GRCh38, 1-based): chr7:130,428,020, T>C on the plus strand (A>G on the coding strand, the complement: CEP41 is on the minus strand). VCF-style: chr7-130428020-T-C. GRCh37 (hg19) VCF-style: chr7-130067861-T-C.
Other names: c.34-2A>G (NM_001257159.2, NM_001257158.2, NM_001257160.2).
Identifiers: ClinVar variation 1029717 (VCV001029717.1), dbSNP rs1797714974, ClinGen allele CA369287584.

ClinVar aggregate classification (germline): Pathogenic/Likely pathogenic. Review status: criteria provided, multiple submitters, no conflicts (2 of 4 stars). 2 submissions from 2 submitters: Pathogenic (1); Likely pathogenic (1). Last evaluated 2025-09-26.

Conditions:
Joubert syndrome 15 (JBTS15). Identifiers: Orphanet 475, MedGen C3280897, MONDO:0013763, OMIM 614464.

Allele frequency attached by ClinVar (database versions not stated): gnomAD exomes below 0.00001.
gnomAD v4.1: 1 of 1,586,952 alleles (0.000063%); highest among the groups gnomAD compares: South Asian, 0.0011%; no homozygotes.

Submissions (2):

First Genomix Gene Laboratory, Genetic Diagnostics Department
Classification: Likely pathogenic for Joubert syndrome 15. Last evaluated: 2025-09-26. Review status: criteria provided, single submitter. Criteria: ACMG Guidelines, 2015. Collection method: clinical testing. Allele origin: germline. Inheritance: Autosomal recessive inheritance. Affected: no. Observed: 1 variant allele.

Baylor Genetics
Classification: Pathogenic for Joubert syndrome 15. Last evaluated: 2020-07-06. Review status: criteria provided, single submitter. Criteria: ACMG Guidelines, 2015. Collection method: clinical testing. Allele origin: unknown. Affected: yes.
Comment: This variant was determined to be pathogenic according to ACMG Guidelines, 2015 [PMID:25741868].